The following is an entry in ClinVar:

NM_001330574.2(ZNF711):c.320A>G (p.Asp107Gly)

Gene: ZNF711 (zinc finger protein 711; plus strand). Cytogenetic location: Xq21.1.
Variant type: single nucleotide variant.
Coding change: c.320A>G on transcript NM_001330574.2 (MANE Select); coding-DNA position 320, A replaced by G.
Protein change: p.Asp107Gly; replaces aspartic acid 107 with glycine.
Molecular consequence: missense variant.
Genome position (GRCh38, 1-based): chrX:85,255,499, A>G. VCF-style: chrX-85255499-A-G. GRCh37 (hg19) VCF-style: chrX-84510505-A-G.
Other names: c.320A>G, p.Asp107Gly (NM_021998.5); short protein forms D107G.
Identifiers: ClinVar variation 212691 (VCV000212691.8), dbSNP rs797046131, ClinGen allele CA205320.
Genomic context (GRCh38, chrX:85,255,499, plus strand): 5'-TGATTGTTCCTGAAGCGGTACTTGAAGCTGATGTTGCCATTGAAGAGGATTTAGAGGAAG[A>G]TGATGGTGATCACATCTTGACTTCTGAACTAATTACAGAAACCGTTAGGGTACCAGAGCA-3'
Protein context (NP_001317503.1, residues 97-117): DVAIEEDLEE[Asp107Gly]DGDHILTSEL

ClinVar aggregate classification (germline): Uncertain significance. Review status: criteria provided, multiple submitters, no conflicts (2 of 4 stars). 3 submissions from 3 submitters: Uncertain significance (2). 1 of the submissions does not count toward it. Last evaluated 2024-10-24.

Conditions:
Inborn genetic diseases. Identifiers: MedGen C0950123, MeSH D030342.
ZNF711-related disorder. Also called: ZNF711-related condition.

Allele frequency attached by ClinVar (database versions not stated): gnomAD exomes 0.00002; gnomAD 0.00003; TOPMed 0.00003.

Submissions (3):

Ambry Genetics
Classification: Uncertain significance for Inborn genetic diseases. Last evaluated: 2024-10-24. Review status: criteria provided, single submitter. Criteria: Ambry Variant Classification Scheme 2023. Collection method: clinical testing. Allele origin: germline.

Genetic Services Laboratory, University of Chicago
Classification: Uncertain significance. Last evaluated: 2015-03-25. Review status: criteria provided, single submitter. Criteria: ACMG Guidelines, 2015. Collection method: clinical testing. Allele origin: germline.

PreventionGenetics, part of Exact Sciences
Classification: Uncertain significance for ZNF711-related condition. Last evaluated: 2024-09-21. Review status: no assertion criteria provided. Collection method: clinical testing. Allele origin: germline. Not counted in ClinVar's aggregate classification.
Comment: The ZNF711 c.320A>G variant is predicted to result in the amino acid substitution p.Asp107Gly. To our knowledge, this variant has not been reported in the literature. This variant was reported in 0.0024% of alleles in individuals of European (Non-Finnish) descent in gnomAD v2 (as displayed in the table above). However, in gnomAD v4 (available only on GRCh38), this variant is reported in 0.0035% of alleles in a subpopulation, including nine hemizygotes. This population data is not consistent with this variant being a primary cause of disease. Although we suspect that this variant may be benign, at this time, the clinical significance of this variant is uncertain due to the absence of conclusive functional and genetic evidence.